The following is an entry in ClinVar:

NM_005359.6(SMAD4):c.622G>T (p.Ala208Ser)

Gene: SMAD4 (SMAD family member 4; plus strand). Cytogenetic location: 18q21.2.
Variant type: single nucleotide variant.
Coding change: c.622G>T on transcript NM_005359.6 (MANE Select); coding-DNA position 622, G replaced by T.
Protein change: p.Ala208Ser; replaces alanine 208 with serine.
Molecular consequence: missense variant. On other transcripts: non-coding transcript variant (2).
Genome position (GRCh38, 1-based): chr18:51,054,948, G>T. VCF-style: chr18-51054948-G-T. GRCh37 (hg19) VCF-style: chr18-48581318-G-T.
Other names: c.622G>T, p.Ala208Ser (NM_001407041.1, NM_001407042.1, NM_001407043.1); short protein forms A208S.
Identifiers: ClinVar variation 4042881 (VCV004042881.1).
Genomic context (GRCh38, chr18:51,054,948, plus strand): 5'-AATCGTGCATCGACAGAGACATACAGCACCCCAGCTCTGTTAGCCCCATCTGAGTCTAAT[G>T]CTACCAGCACTGCCAACTTTCCCAACATTCCTGTGGCTTCCACAAGTGAGTTCTAGAATC-3'
Protein context (NP_005350.1, residues 198-218): PALLAPSESN[Ala208Ser]TSTANFPNIP

ClinVar aggregate classification (germline): Uncertain significance (1 of 4 stars; one submission).

Conditions:
Familial thoracic aortic aneurysm and aortic dissection (TAAD). Also called: Thoracic aortic aneurysms and dissections. Identifiers: Orphanet 91387, MedGen C4707243, MONDO:0019625.
Hereditary cancer-predisposing syndrome. Also called: Neoplastic Syndromes, Hereditary; Tumor predisposition; Hereditary neoplastic syndrome; Hereditary Cancer Syndrome. Identifiers: Orphanet 140162, MedGen C0027672, MeSH D009386, MONDO:0015356.

Submission:

Ambry Genetics
Classification: Uncertain significance for Hereditary cancer-predisposing syndrome; Familial thoracic aortic aneurysm and aortic dissection. Last evaluated: 2025-04-01. Review status: criteria provided, single submitter. Criteria: Ambry Variant Classification Scheme 2023. Collection method: clinical testing. Allele origin: germline.
Comment: The p.A208S variant (also known as c.622G>T), located in coding exon 4 of the SMAD4 gene, results from a G to T substitution at nucleotide position 622. The alanine at codon 208 is replaced by serine, an amino acid with similar properties. This amino acid position is conserved. In addition, the in silico prediction for this alteration is inconclusive. Based on the available evidence, the clinical significance of this variant remains unclear.